The following is an entry in ClinVar:

ClinVar aggregate classification (germline): Uncertain significance (1 of 4 stars; one submission).

Conditions:
Inborn genetic diseases. Identifiers: MedGen C0950123, MeSH D030342.

gnomAD v4.1: 2 of 1,614,250 alleles (0.00012%); highest among the groups gnomAD compares: Non-Finnish European, 0.00017%; no homozygotes.

Submission:

Ambry Genetics
Classification: Uncertain significance for Inborn genetic diseases. Last evaluated: 2025-10-09. Review status: criteria provided, single submitter. Criteria: Ambry Variant Classification Scheme 2023. Collection method: clinical testing. Allele origin: germline.
Comment: The p.V248M variant (also known as c.742G>A), located in coding exon 6 of the FANCG gene, results from a G to A substitution at nucleotide position 742. The valine at codon 248 is replaced by methionine, an amino acid with highly similar properties. This amino acid position is conserved. In addition, the in silico prediction for this alteration is inconclusive. Based on the available evidence, the clinical significance of this variant remains unclear.

NM_004629.2(FANCG):c.742G>A (p.Val248Met)

Gene: FANCG (FA complementation group G; minus strand). Cytogenetic location: 9p13.3.
Variant type: single nucleotide variant.
Coding change: c.742G>A on transcript NM_004629.2 (MANE Select); coding-DNA position 742, G replaced by A.
Protein change: p.Val248Met; replaces valine 248 with methionine.
Molecular consequence: missense variant.
Genome position (GRCh38, 1-based): chr9:35,077,006, C>T on the plus strand (G>A on the coding strand, the complement: FANCG is on the minus strand). VCF-style: chr9-35077006-C-T. GRCh37 (hg19) VCF-style: chr9-35077003-C-T.
Other names: short protein forms V248M.
Identifiers: ClinVar variation 4619365 (VCV004619365.1).
Genomic context (GRCh38, chr9:35,077,006, plus strand): 5'-CAATCCACCCTAGGACTGTCTTTACCATCTTACGGTGACAGGACCCCAGTGCTGTGTACA[C>T]CTGGACCAACACAGGCCGTGGACACAGGCCTGAGGCCGCTTCATGAAGGCTGCTTAGTGC-3'
Protein context (NP_004620.1, residues 238-258): GLCPRPVLVQ[Val248Met]YTALGSCHRK